The following is an entry in ClinVar:

NM_001377229.1(DISP1):c.136A>G (p.Thr46Ala)

Gene: DISP1 (dispatched RND transporter family member 1; plus strand). Cytogenetic location: 1q41.
Variant type: single nucleotide variant.
Coding change: c.136A>G on transcript NM_001377229.1 (MANE Select); coding-DNA position 136, A replaced by G.
Protein change: p.Thr46Ala; replaces threonine 46 with alanine.
Molecular consequence: missense variant. On other transcripts: 5 prime UTR variant (1).
Genome position (GRCh38, 1-based): chr1:222,942,959, A>G. VCF-style: chr1-222942959-A-G. GRCh37 (hg19) VCF-style: chr1-223116301-A-G.
Other names: c.-752A>G (NM_001350630.2); c.136A>G, p.Thr46Ala (NM_001369594.1, NM_001377228.1, NM_032890.5); short protein forms T46A.
Identifiers: ClinVar variation 4766953 (VCV004766953.1).

ClinVar aggregate classification (germline): Uncertain significance (1 of 4 stars; one submission).

gnomAD v4.1: 12 of 1,614,184 alleles (0.00074%); highest among the groups gnomAD compares: Admixed American, 0.0083%; no homozygotes.

Submission:

Labcorp Genetics (formerly Invitae), Labcorp
Classification: Uncertain significance. Last evaluated: 2025-03-23. Review status: criteria provided, single submitter. Criteria: Invitae Variant Classification Sherloc (09022015). Collection method: clinical testing. Allele origin: germline.
Comment: This sequence change replaces threonine, which is neutral and polar, with alanine, which is neutral and non-polar, at codon 46 of the DISP1 protein (p.Thr46Ala). This variant is present in population databases (rs776280819, gnomAD 0.01%). This variant has not been reported in the literature in individuals affected with DISP1-related conditions. An algorithm developed to predict the effect of missense changes on protein structure and function outputs the following: PolyPhen-2: "Benign". The alanine amino acid residue is found in multiple mammalian species, which suggests that this missense change does not adversely affect protein function. In summary, the available evidence is currently insufficient to determine the role of this variant in disease. Therefore, it has been classified as a Variant of Uncertain Significance.